The following is an entry in ClinVar:

NM_000787.4(DBH):c.736A>G (p.Ile246Val)

Gene: DBH (dopamine beta-hydroxylase; plus strand). Cytogenetic location: 9q34.2.
Variant type: single nucleotide variant.
Coding change: c.736A>G on transcript NM_000787.4 (MANE Select); coding-DNA position 736, A replaced by G.
Protein change: p.Ile246Val; replaces isoleucine 246 with valine.
Molecular consequence: missense variant.
Genome position (GRCh38, 1-based): chr9:133,642,456, A>G. VCF-style: chr9-133642456-A-G. GRCh37 (hg19) VCF-style: chr9-136507578-A-G.
Other names: short protein forms I246V.
Identifiers: ClinVar variation 914524 (VCV000914524.7), dbSNP rs983397516, ClinGen allele CA200961688.

ClinVar aggregate classification (germline): Uncertain significance. Review status: criteria provided, multiple submitters, no conflicts (2 of 4 stars). 2 submissions from 2 submitters: Uncertain significance (2). Last evaluated 2025-01-27.

Conditions:
Orthostatic hypotension 1 (ORTHYP1). Also called: NORADRENALINE DEFICIENCY; NOREPINEPHRINE DEFICIENCY; Orthostatic hypotension 1, due to DBH deficiency; Dopamine beta-hydroxylase deficiency. Identifiers: Orphanet 230, MedGen C4746777, MONDO:0009123, OMIM 223360.

Allele frequency attached by ClinVar (database versions not stated): TOPMed below 0.00001; gnomAD exomes 0.00001.
gnomAD v4.1: 16 of 1,609,958 alleles (0.00099%); highest among the groups gnomAD compares: Non-Finnish European, 0.0014%; no homozygotes.

Submissions (2):

Labcorp Genetics (formerly Invitae), Labcorp
Classification: Uncertain significance for Orthostatic hypotension 1. Last evaluated: 2025-01-27. Review status: criteria provided, single submitter. Criteria: Invitae Variant Classification Sherloc (09022015). Collection method: clinical testing. Allele origin: germline.
Comment: This sequence change replaces isoleucine, which is neutral and non-polar, with valine, which is neutral and non-polar, at codon 246 of the DBH protein (p.Ile246Val). This variant is not present in population databases (gnomAD no frequency). This variant has not been reported in the literature in individuals affected with DBH-related conditions. ClinVar contains an entry for this variant (Variation ID: 914524). Invitae Evidence Modeling of protein sequence and biophysical properties (such as structural, functional, and spatial information, amino acid conservation, physicochemical variation, residue mobility, and thermodynamic stability) indicates that this missense variant is not expected to disrupt DBH protein function with a negative predictive value of 80%. In summary, the available evidence is currently insufficient to determine the role of this variant in disease. Therefore, it has been classified as a Variant of Uncertain Significance.

Illumina Laboratory Services, Illumina
Classification: Uncertain significance for Orthostatic hypotension 1. Last evaluated: 2017-04-27. Review status: criteria provided, single submitter. Criteria: ICSL Variant Classification Criteria 13 December 2019. Collection method: clinical testing. Allele origin: germline.